The following is an entry in ClinVar:

NM_000090.4(COL3A1):c.4025A>G (p.Asn1342Ser)

Gene: COL3A1 (collagen type III alpha 1 chain; plus strand). Cytogenetic location: 2q32.2.
Variant type: single nucleotide variant.
Coding change: c.4025A>G on transcript NM_000090.4 (MANE Select); coding-DNA position 4025, A replaced by G.
Protein change: p.Asn1342Ser; replaces asparagine 1342 with serine.
Molecular consequence: missense variant.
Genome position (GRCh38, 1-based): chr2:189,010,661, A>G. VCF-style: chr2-189010661-A-G. GRCh37 (hg19) VCF-style: chr2-189875387-A-G.
Other names: short protein forms N1342S.
Identifiers: ClinVar variation 925218 (VCV000925218.12), dbSNP rs752777683, ClinGen allele CA076428.

ClinVar aggregate classification (germline): Uncertain significance. Review status: criteria provided, multiple submitters, no conflicts (2 of 4 stars). 4 submissions from 4 submitters: Uncertain significance (4). Last evaluated 2024-03-07.

Conditions:
Polymicrogyria with or without vascular-type Ehlers-Danlos syndrome. Identifiers: Orphanet 636941, MedGen C5193040, MONDO:0032688, OMIM 618343.
Ehlers-Danlos syndrome, type 4 (EDSVASC). Also called: Ehlers-Danlos syndrome vascular type; Ehlers Danlos syndrome, ecchymotic type; Ehlers Danlos syndrome, arterial type; Ehlers Danlos syndrome, Sack-Barabas type; Ehlers-Danlos Syndrome Type IV. Identifiers: Orphanet 286, MedGen C0268338, MONDO:0017314, OMIM 130050.
Familial thoracic aortic aneurysm and aortic dissection (TAAD). Also called: Thoracic aortic aneurysms and dissections. Identifiers: Orphanet 91387, MedGen C4707243, MONDO:0019625.

Allele frequency attached by ClinVar (database versions not stated): ExAC 0.00001; gnomAD exomes 0.00001; TOPMed 0.00002.
gnomAD v4.1: 4 of 1,614,202 alleles (0.00025%); highest among the groups gnomAD compares: African/African-American, 0.004%; no homozygotes.

Submissions (4):

Color Diagnostics, LLC DBA Color Health
Classification: Uncertain significance for Familial thoracic aortic aneurysm and aortic dissection. Last evaluated: 2024-03-07. Review status: criteria provided, single submitter. Criteria: ACMG Guidelines, 2015. Collection method: clinical testing. Allele origin: germline.
Comment: This missense variant replaces asparagine with serine at codon 1342 of the COL3A1 protein. Computational prediction suggests that this variant may not impact protein structure and function (internally defined REVEL score threshold <= 0.5, PMID: 27666373). To our knowledge, functional studies have not been reported for this variant. This variant has not been reported in individuals affected with COL3A1-related disorders in the literature. This variant has been identified in 2/251344 chromosomes in the general population by the Genome Aggregation Database (gnomAD). The available evidence is insufficient to determine the role of this variant in disease conclusively. Therefore, this variant is classified as a Variant of Uncertain Significance.

All of Us Research Program, National Institutes of Health
Classification: Uncertain significance for Ehlers-Danlos syndrome, type 4. Last evaluated: 2023-06-26. Review status: criteria provided, single submitter. Criteria: ACMG Guidelines, 2015. Collection method: clinical testing. Allele origin: germline. Inheritance: Autosomal dominant inheritance. Observed: 1 variant allele, 1 heterozygote.
Comment: This missense variant replaces asparagine with serine at codon 1342 of the COL3A1 protein. Computational prediction suggests that this variant may not impact protein structure and function (internally defined REVEL score threshold <= 0.5, PMID: 27666373). To our knowledge, functional studies have not been reported for this variant. This variant has not been reported in individuals affected with cardiovascular disorders in the literature. This variant has been identified in 2/251344 chromosomes in the general population by the Genome Aggregation Database (gnomAD). The available evidence is insufficient to determine the role of this variant in disease conclusively. Therefore, this variant is classified as a Variant of Uncertain Significance.

This study involves interpretation of variants in research participants for the purpose of population health screening. Participant phenotype was not available at the time of variant classification. Additional details can be found in publication PMID: 35346344, PMCID: PMC8962531

Labcorp Genetics (formerly Invitae), Labcorp
Classification: Uncertain significance for Ehlers-Danlos syndrome, type 4. Last evaluated: 2022-10-03. Review status: criteria provided, single submitter. Criteria: Invitae Variant Classification Sherloc (09022015). Collection method: clinical testing. Allele origin: germline.
Comment: In summary, the available evidence is currently insufficient to determine the role of this variant in disease. Therefore, it has been classified as a Variant of Uncertain Significance. Advanced modeling of protein sequence and biophysical properties (such as structural, functional, and spatial information, amino acid conservation, physicochemical variation, residue mobility, and thermodynamic stability) performed at Invitae indicates that this missense variant is not expected to disrupt COL3A1 protein function. ClinVar contains an entry for this variant (Variation ID: 925218). This variant has not been reported in the literature in individuals affected with COL3A1-related conditions. This variant is present in population databases (rs752777683, gnomAD 0.007%). This sequence change replaces asparagine, which is neutral and polar, with serine, which is neutral and polar, at codon 1342 of the COL3A1 protein (p.Asn1342Ser).

Fulgent Genetics
Classification: Uncertain significance for Ehlers-Danlos syndrome, type 4; Polymicrogyria with or without vascular-type Ehlers-Danlos syndrome. Last evaluated: 2021-09-03. Review status: criteria provided, single submitter. Criteria: ACMG Guidelines, 2015. Collection method: clinical testing. Allele origin: unknown.